The following is an entry in ClinVar:

ClinVar aggregate classification (germline): Uncertain significance (1 of 4 stars; one submission).

Conditions:
Cowden syndrome 6 (CWS6). Identifiers: Orphanet 201, MedGen C3554519, MONDO:0014048, OMIM 615109.

Allele frequency attached by ClinVar (database versions not stated): TOPMed below 0.00001.

Submission:

Labcorp Genetics (formerly Invitae), Labcorp
Classification: Uncertain significance for Cowden syndrome 6. Last evaluated: 2022-08-05. Review status: criteria provided, single submitter. Criteria: Invitae Variant Classification Sherloc (09022015). Collection method: clinical testing. Allele origin: germline.
Comment: In summary, the available evidence is currently insufficient to determine the role of this variant in disease. Therefore, it has been classified as a Variant of Uncertain Significance. This sequence change replaces leucine, which is neutral and non-polar, with proline, which is neutral and non-polar, at codon 153 of the AKT1 protein (p.Leu153Pro). This variant is not present in population databases (gnomAD no frequency). This variant has not been reported in the literature in individuals affected with AKT1-related conditions. Algorithms developed to predict the effect of missense changes on protein structure and function (SIFT, PolyPhen-2, Align-GVGD) all suggest that this variant is likely to be disruptive.

NM_001382430.1(AKT1):c.458T>C (p.Leu153Pro)

Gene: AKT1 (AKT serine/threonine kinase 1; minus strand). Cytogenetic location: 14q32.33.
Variant type: single nucleotide variant.
Coding change: c.458T>C on transcript NM_001382430.1 (MANE Select); coding-DNA position 458, T replaced by C.
Protein change: p.Leu153Pro; replaces leucine 153 with proline.
Molecular consequence: missense variant.
Genome position (GRCh38, 1-based): chr14:104,775,185, A>G on the plus strand (T>C on the coding strand, the complement: AKT1 is on the minus strand). VCF-style: chr14-104775185-A-G. GRCh37 (hg19) VCF-style: chr14-105241522-A-G.
Other names: c.458T>C, p.Leu153Pro (NM_001014431.2, NM_001014432.2, NM_001382431.1 and 3 more transcripts); short protein forms L153P.
Identifiers: ClinVar variation 2126319 (VCV002126319.4), dbSNP rs1892631024, ClinGen allele CA391219712.